The following is an entry in ClinVar:

NM_001184.4(ATR):c.5098C>G (p.Pro1700Ala)

Gene: ATR (ATR checkpoint kinase; minus strand). Cytogenetic location: 3q23.
Variant type: single nucleotide variant.
Coding change: c.5098C>G on transcript NM_001184.4 (MANE Select); coding-DNA position 5098, C replaced by G.
Protein change: p.Pro1700Ala; replaces proline 1700 with alanine.
Molecular consequence: missense variant.
Genome position (GRCh38, 1-based): chr3:142,505,237, G>C on the plus strand (C>G on the coding strand, the complement: ATR is on the minus strand). VCF-style: chr3-142505237-G-C. GRCh37 (hg19) VCF-style: chr3-142224079-G-C.
Other names: c.4906C>G, p.Pro1636Ala (NM_001354579.2); c.5098C>G (NM_001184.3); short protein forms P1636A, P1700A.
Identifiers: ClinVar variation 2046468 (VCV002046468.4), dbSNP rs761194898, ClinGen allele CA2649679.

ClinVar aggregate classification (germline): Uncertain significance. Review status: criteria provided, multiple submitters, no conflicts (2 of 4 stars). 2 submissions from 2 submitters: Uncertain significance (2). Last evaluated 2024-03-21.

Conditions:
Inborn genetic diseases. Identifiers: MedGen C0950123, MeSH D030342.

Allele frequency attached by ClinVar (database versions not stated): ExAC 0.00001; gnomAD exomes 0.00001; TOPMed 0.00001.
gnomAD v4.1: 3 of 1,614,034 alleles (0.00019%); highest among the groups gnomAD compares: Admixed American, 0.005%; no homozygotes.

Submissions (2):

Ambry Genetics
Classification: Uncertain significance for Inborn genetic diseases. Last evaluated: 2024-03-21. Review status: criteria provided, single submitter. Criteria: Ambry Variant Classification Scheme 2023. Collection method: clinical testing. Allele origin: germline.
Comment: The p.P1700A variant (also known as c.5098C>G), located in coding exon 29 of the ATR gene, results from a C to G substitution at nucleotide position 5098. The proline at codon 1700 is replaced by alanine, an amino acid with highly similar properties. This amino acid position is conserved. In addition, this alteration is predicted to be tolerated by in silico analysis. Based on the available evidence, the clinical significance of this alteration remains unclear.

Labcorp Genetics (formerly Invitae), Labcorp
Classification: Uncertain significance. Last evaluated: 2022-02-21. Review status: criteria provided, single submitter. Criteria: Invitae Variant Classification Sherloc (09022015). Collection method: clinical testing. Allele origin: germline.
Comment: This variant is present in population databases (rs761194898, gnomAD 0.006%). In summary, the available evidence is currently insufficient to determine the role of this variant in disease. Therefore, it has been classified as a Variant of Uncertain Significance. Algorithms developed to predict the effect of missense changes on protein structure and function (SIFT, PolyPhen-2, Align-GVGD) all suggest that this variant is likely to be tolerated. This variant has not been reported in the literature in individuals affected with ATR-related conditions. This sequence change replaces proline, which is neutral and non-polar, with alanine, which is neutral and non-polar, at codon 1700 of the ATR protein (p.Pro1700Ala).